The following is an entry in ClinVar:

ClinVar aggregate classification (germline): Uncertain significance (1 of 4 stars; one submission).

Allele frequency attached by ClinVar (database versions not stated): gnomAD exomes 0.00002; ExAC 0.00003.
gnomAD v4.1: 12 of 1,614,066 alleles (0.00074%); highest among the groups gnomAD compares: South Asian, 0.013%; no homozygotes.

Submission:

Labcorp Genetics (formerly Invitae), Labcorp
Classification: Uncertain significance. Last evaluated: 2023-11-27. Review status: criteria provided, single submitter. Criteria: Invitae Variant Classification Sherloc (09022015). Collection method: clinical testing. Allele origin: germline.
Comment: This sequence change replaces lysine, which is basic and polar, with asparagine, which is neutral and polar, at codon 171 of the UNC45A protein (p.Lys171Asn). This variant is present in population databases (rs751225987, gnomAD 0.02%). This variant has not been reported in the literature in individuals affected with UNC45A-related conditions. ClinVar contains an entry for this variant (Variation ID: 1362024). Advanced modeling of protein sequence and biophysical properties (such as structural, functional, and spatial information, amino acid conservation, physicochemical variation, residue mobility, and thermodynamic stability) has been performed at Invitae for this missense variant, however the output from this modeling did not meet the statistical confidence thresholds required to predict the impact of this variant on UNC45A protein function. In summary, the available evidence is currently insufficient to determine the role of this variant in disease. Therefore, it has been classified as a Variant of Uncertain Significance.

NM_018671.5(UNC45A):c.513G>C (p.Lys171Asn)

Gene: UNC45A (unc-45 myosin chaperone A; plus strand). Cytogenetic location: 15q26.1.
Variant type: single nucleotide variant.
Coding change: c.513G>C on transcript NM_018671.5 (MANE Select); coding-DNA position 513, G replaced by C.
Protein change: p.Lys171Asn; replaces lysine 171 with asparagine.
Molecular consequence: missense variant.
Genome position (GRCh38, 1-based): chr15:90,939,817, G>C. VCF-style: chr15-90939817-G-C. GRCh37 (hg19) VCF-style: chr15-91483047-G-C.
Other names: c.468G>C, p.Lys156Asn (NM_001039675.2, NM_001323621.2); c.513G>C, p.Lys171Asn (NM_001323619.1); c.78G>C, p.Lys26Asn (NM_001323620.2); short protein forms K171N, K156N, K26N.
Identifiers: ClinVar variation 1362024 (VCV001362024.7), dbSNP rs751225987, ClinGen allele CA7742557.